The following is an entry in ClinVar:

NM_025137.4(SPG11):c.6468T>C (p.Tyr2156=)

Gene: SPG11 (SPG11 vesicle trafficking associated, spatacsin; minus strand). Cytogenetic location: 15q21.1.
Variant type: single nucleotide variant.
Coding change: c.6468T>C on transcript NM_025137.4 (MANE Select); coding-DNA position 6468, T replaced by C.
Protein change: p.Tyr2156=; no amino-acid change (tyrosine 2156 retained).
Molecular consequence: synonymous variant.
Genome position (GRCh38, 1-based): chr15:44,570,534, A>G on the plus strand (T>C on the coding strand, the complement: SPG11 is on the minus strand). VCF-style: chr15-44570534-A-G. GRCh37 (hg19) VCF-style: chr15-44862732-A-G.
Other names: c.6129T>C, p.Tyr2043= (NM_001160227.2).
Identifiers: ClinVar variation 1034089 (VCV001034089.4), dbSNP rs146240471, ClinGen allele CA270062772.
Genomic context (GRCh38, chr15:44,570,534, plus strand): 5'-ACTCTCAAAGGTTTCCACAGGATGGAGACTGGGGTTGAGGGGGCTACTTACCACCAGCCC[A>G]TACTCCTCACTGGGGGCCAGGTGGTTATCTGTGAGCATGTGGGCGGCCTGTAGGACTCGG-3'
Protein context (NP_079413.3, residues 2146-2166): TDNHLAPSEE[Tyr2156=]GLVVRLLTGI

ClinVar aggregate classification (germline): Conflicting classifications of pathogenicity. Review status: criteria provided, conflicting classifications (1 of 4 stars). 2 submissions from 2 submitters: Uncertain significance (1); Likely benign (1). Last evaluated 2024-08-30.

Conditions:
Hereditary spastic paraplegia 11. Also called: Spastic Paraplegia 11; SPASTIC PARAPLEGIA, AUTOSOMAL RECESSIVE, COMPLICATED, WITH THIN CORPUS CALLOSUM; SPASTIC PARAPLEGIA, AUTOSOMAL RECESSIVE, WITH MENTAL IMPAIRMENT AND THIN CORPUS CALLOSUM; Spastic paraplegia, mental retardation and thin corpus callosum; Nakamura Osame syndrome; Autosomal recessive hereditary spastic paraplegia, mental impairment, and thin corpus callosum. Identifiers: Orphanet 2822, MedGen C1858479, MONDO:0011445, OMIM 604360.
Amyotrophic lateral sclerosis type 5 (ALS5). Also called: AMYOTROPHIC LATERAL SCLEROSIS 5, JUVENILE. Identifiers: Orphanet 300605, MedGen C1865864, MONDO:0011196, OMIM 602099.

Allele frequency attached by ClinVar (database versions not stated): gnomAD exomes below 0.00001; gnomAD 0.00001; TOPMed 0.00001; ESP Exome Variant Server 0.00008.
gnomAD v4.1: 3 of 1,613,994 alleles (0.00019%); highest among the groups gnomAD compares: Non-Finnish European, 0.00025%; no homozygotes.

Submissions (2):

Labcorp Genetics (formerly Invitae), Labcorp
Classification: Likely benign for Hereditary spastic paraplegia 11. Last evaluated: 2024-08-30. Review status: criteria provided, single submitter. Criteria: Invitae Variant Classification Sherloc (09022015). Collection method: clinical testing. Allele origin: germline.

Baylor Genetics
Classification: Uncertain significance for Amyotrophic lateral sclerosis type 5. Last evaluated: 2018-03-20. Review status: criteria provided, single submitter. Criteria: ACMG Guidelines, 2015. Collection method: clinical testing. Allele origin: unknown. Affected: yes.
Comment: This variant was determined to be of uncertain significance according to ACMG Guidelines, 2015 [PMID:25741868].